The following is an entry in ClinVar:

NM_002872.5(RAC2):c.363C>A (p.Asp121Glu)

Gene: RAC2 (Rac family small GTPase 2; minus strand). Cytogenetic location: 22q13.1.
Variant type: single nucleotide variant.
Coding change: c.363C>A on transcript NM_002872.5 (MANE Select); coding-DNA position 363, C replaced by A.
Protein change: p.Asp121Glu; replaces aspartic acid 121 with glutamic acid.
Molecular consequence: missense variant.
Genome position (GRCh38, 1-based): chr22:37,231,316, G>T on the plus strand (C>A on the coding strand, the complement: RAC2 is on the minus strand). VCF-style: chr22-37231316-G-T. GRCh37 (hg19) VCF-style: chr22-37627356-G-T.
Other names: short protein forms D121E.
Identifiers: ClinVar variation 2873185 (VCV002873185.3), dbSNP rs771516943, ClinGen allele CA411442982.
Genomic context (GRCh38, chr22:37,231,316, plus strand): 5'-CTGCGGGTAGGTGATGGGAGCCAGCTTCTTCTCCTTCAGTTTCTCGATGGTGTCCTTGTC[G>T]TCCCGCAGGTCCAGCTTGGTGCCCACCAGGATGATGGGTGTGCTGGGGCAGTGGTGCCGC-3'
Protein context (NP_002863.1, residues 111-131): ILVGTKLDLR[Asp121Glu]DKDTIEKLKE

ClinVar aggregate classification (germline): Uncertain significance (1 of 4 stars; one submission).

Conditions:
Neutrophil immunodeficiency syndrome. Also called: Immunodeficiency 73A with defective neutrophil chemotaxis and leukocytosis. Identifiers: Orphanet 183707, MedGen C1842398, MONDO:0011988, OMIM 608203.

gnomAD v4.1: 1 of 1,614,114 alleles (0.000062%); highest among the groups gnomAD compares: Admixed American, 0.0017%; no homozygotes.

Submission:

Labcorp Genetics (formerly Invitae), Labcorp
Classification: Uncertain significance for Neutrophil immunodeficiency syndrome. Last evaluated: 2023-01-16. Review status: criteria provided, single submitter. Criteria: Invitae Variant Classification Sherloc (09022015). Collection method: clinical testing. Allele origin: germline.
Comment: Advanced modeling of protein sequence and biophysical properties (such as structural, functional, and spatial information, amino acid conservation, physicochemical variation, residue mobility, and thermodynamic stability) performed at Invitae indicates that this missense variant is not expected to disrupt RAC2 protein function. In summary, the available evidence is currently insufficient to determine the role of this variant in disease. Therefore, it has been classified as a Variant of Uncertain Significance. This variant has not been reported in the literature in individuals affected with RAC2-related conditions. This variant is present in population databases (no rsID available, gnomAD 0.003%). This sequence change replaces aspartic acid, which is acidic and polar, with glutamic acid, which is acidic and polar, at codon 121 of the RAC2 protein (p.Asp121Glu).